The following is an entry in ClinVar:

ClinVar aggregate classification (germline): Conflicting classifications of pathogenicity. Review status: criteria provided, conflicting classifications (1 of 4 stars). 2 submissions from 2 submitters: Uncertain significance (1); Likely benign (1). Last evaluated 2024-12-16.

Conditions:
Epilepsy, childhood absence, susceptibility to, 1. Also called: Epilepsy, childhood absence 1. Identifiers: Orphanet 64280, MedGen C1838604, MONDO:0020759, OMIM 600131.
Epilepsy, childhood absence, susceptibility to, 5. Identifiers: Orphanet 64280, MedGen C2677087, MONDO:0012843, OMIM 612269.

Allele frequency attached by ClinVar (database versions not stated): gnomAD exomes below 0.00001 and 0.00001; gnomAD 0.00001.
gnomAD v4.1: 11 of 1,540,330 alleles (0.00071%); highest among the groups gnomAD compares: Non-Finnish European, 0.00096%; no homozygotes.

Submissions (2):

Labcorp Genetics (formerly Invitae), Labcorp
Classification: Uncertain significance for Epilepsy, childhood absence, susceptibility to, 5; Epilepsy, childhood absence, susceptibility to, 1. Last evaluated: 2024-12-16. Review status: criteria provided, single submitter. Criteria: Invitae Variant Classification Sherloc (09022015). Collection method: clinical testing. Allele origin: germline.
Comment: This sequence change affects codon 27 of the GABRB3 mRNA. It is a 'silent' change, meaning that it does not change the encoded amino acid sequence of the GABRB3 protein. It affects a nucleotide within the consensus splice site. The frequency data for this variant in the population databases is considered unreliable, as metrics indicate poor data quality at this position in the gnomAD database. This variant has not been reported in the literature in individuals affected with GABRB3-related conditions. ClinVar contains an entry for this variant (Variation ID: 389845). Algorithms developed to predict the effect of sequence changes on RNA splicing suggest that this variant is not likely to affect RNA splicing. In summary, the available evidence is currently insufficient to determine the role of this variant in disease. Therefore, it has been classified as a Variant of Uncertain Significance.

GeneDx
Classification: Likely benign. Last evaluated: 2018-11-02. Review status: criteria provided, single submitter. Criteria: GeneDx Variant Classification Process June 2021. Collection method: clinical testing. Allele origin: germline. Affected: yes.

NM_000814.6(GABRB3):c.81T>C (p.Ser27=)

Gene: GABRB3 (gamma-aminobutyric acid type A receptor subunit beta3; minus strand). Cytogenetic location: 15q12.
Variant type: single nucleotide variant.
Coding change: c.81T>C on transcript NM_000814.6 (MANE Select); coding-DNA position 81, T replaced by C.
Protein change: p.Ser27=; no amino-acid change (serine 27 retained).
Molecular consequence: synonymous variant. On other transcripts: 5 prime UTR variant (1).
Genome position (GRCh38, 1-based): chr15:26,772,772, A>G on the plus strand (T>C on the coding strand, the complement: GABRB3 is on the minus strand). VCF-style: chr15-26772772-A-G. GRCh37 (hg19) VCF-style: chr15-27017919-A-G.
Other names: c.-271T>C (NM_001278631.2); c.81T>C, p.Ser27= (NM_021912.5).
Identifiers: ClinVar variation 389845 (VCV000389845.5), dbSNP rs1057523553, ClinGen allele CA16607051.